The following is an entry in ClinVar:

NM_138420.4(AHNAK2):c.3259C>G (p.Pro1087Ala)

Gene: AHNAK2 (AHNAK nucleoprotein 2; minus strand). Cytogenetic location: 14q32.33.
Variant type: single nucleotide variant.
Coding change: c.3259C>G on transcript NM_138420.4 (MANE Select); coding-DNA position 3259, C replaced by G.
Protein change: p.Pro1087Ala; replaces proline 1087 with alanine.
Molecular consequence: missense variant.
Genome position (GRCh38, 1-based): chr14:104,952,192, G>C on the plus strand (C>G on the coding strand, the complement: AHNAK2 is on the minus strand). VCF-style: chr14-104952192-G-C. GRCh37 (hg19) VCF-style: chr14-105418529-G-C.
Other names: c.2959C>G, p.Pro987Ala (NM_001350929.2); short protein forms P1087A, P987A.
Identifiers: ClinVar variation 2508599 (VCV002508599.26), dbSNP rs375049450, ClinGen allele CA7383152.

ClinVar aggregate classification (germline): Conflicting classifications of pathogenicity. Review status: criteria provided, conflicting classifications (1 of 4 stars). 2 submissions from 2 submitters: Uncertain significance (1); Likely benign (1). Last evaluated 2023-05-04.

Allele frequency attached by ClinVar (database versions not stated): ESP Exome Variant Server 0.00008.
gnomAD v4.1: 43 of 1,612,326 alleles (0.0027%); highest among the groups gnomAD compares: Non-Finnish European, 0.0035%; no homozygotes.

Submissions (2):

Ambry Genetics
Classification: Uncertain significance. Last evaluated: 2023-05-04. Review status: criteria provided, single submitter. Criteria: Ambry Variant Classification Scheme 2023. Collection method: clinical testing. Allele origin: germline.

CeGaT Center for Human Genetics Tuebingen
Classification: Likely benign. Last evaluated: 2022-11-01. Review status: criteria provided, single submitter. Criteria: CeGaT Center For Human Genetics Tuebingen Variant Classification Criteria Version 2. Collection method: clinical testing. Allele origin: germline. Affected: yes. Observed: 1 variant allele.
Comment: AHNAK2: BP4